The following is an entry in ClinVar:

NM_153026.3(PRICKLE1):c.100G>A (p.Ala34Thr)

Gene: PRICKLE1 (prickle planar cell polarity protein 1; minus strand). Cytogenetic location: 12q12.
Variant type: single nucleotide variant.
Coding change: c.100G>A on transcript NM_153026.3 (MANE Select); coding-DNA position 100, G replaced by A.
Protein change: p.Ala34Thr; replaces alanine 34 with threonine.
Molecular consequence: missense variant.
Genome position (GRCh38, 1-based): chr12:42,472,417, C>T on the plus strand (G>A on the coding strand, the complement: PRICKLE1 is on the minus strand). VCF-style: chr12-42472417-C-T. GRCh37 (hg19) VCF-style: chr12-42866219-C-T.
Other names: c.100G>A, p.Ala34Thr (NM_001144881.2, NM_001144882.2, NM_001144883.2); short protein forms A34T.
Identifiers: ClinVar variation 418596 (VCV000418596.5), dbSNP rs781255236, ClinGen allele CA6519997.

ClinVar aggregate classification (germline): Uncertain significance. Review status: criteria provided, multiple submitters, no conflicts (2 of 4 stars). 3 submissions from 3 submitters: Uncertain significance (2). 1 of the submissions does not count toward it. Last evaluated 2021-08-25.

Conditions:
Epilepsy, progressive myoclonic, 1B. Also called: PME. Identifiers: Orphanet 308, MedGen C2676254, MONDO:0012904, OMIM 612437.
Self-limited epilepsy with centrotemporal spikes. Also called: Childhood epilepsy with centrotemporal spikes; Rolandic epilepsy. Identifiers: Orphanet 1945, MedGen C0376532, MONDO:0007295.

Allele frequency attached by ClinVar (database versions not stated): gnomAD 0.00001; gnomAD exomes 0.00001 and 0.00002; TOPMed 0.00002.
gnomAD v4.1: 19 of 1,613,990 alleles (0.0012%); highest among the groups gnomAD compares: East Asian, 0.0022%; no homozygotes.

Submissions (3):

Labcorp Genetics (formerly Invitae), Labcorp
Classification: Uncertain significance for Epilepsy, progressive myoclonic, 1B. Last evaluated: 2021-08-25. Review status: criteria provided, single submitter. Criteria: Invitae Variant Classification Sherloc (09022015). Collection method: clinical testing. Allele origin: germline.
Comment: This sequence change replaces alanine with threonine at codon 34 of the PRICKLE1 protein (p.Ala34Thr). The alanine residue is moderately conserved and there is a small physicochemical difference between alanine and threonine. This variant is present in population databases (rs781255236, ExAC 0.01%). This missense change has been observed in individual(s) with clinical features of PRICKLE1-related conditions (PMID: 29358611). ClinVar contains an entry for this variant (Variation ID: 418596). Algorithms developed to predict the effect of missense changes on protein structure and function (SIFT, PolyPhen-2, Align-GVGD) all suggest that this variant is likely to be tolerated. In summary, the available evidence is currently insufficient to determine the role of this variant in disease. Therefore, it has been classified as a Variant of Uncertain Significance.

GeneDx
Classification: Uncertain significance. Last evaluated: 2017-02-15. Review status: criteria provided, single submitter. Criteria: GeneDx Variant Classification (06012015). Collection method: clinical testing. Allele origin: germline. Affected: yes.
Comment: A variant of uncertain significance has been identified in the PRICKLE1 gene. The A34T variant has not been published as a pathogenic variant, nor has it been reported as a benign variant to our knowledge. The A34T variant is not observed at a significant frequency in large population cohorts (Lek et al., 2016; 1000 Genomes Consortium et al., 2015; Exome Variant Server). The A34T variant is a non-conservative amino acid substitution, which is likely to impact secondary protein structure as these residues differ in polarity, charge, size and/or other properties. This substitution occurs at a position that is conserved in mammals; however, Threonine is observed at this position in evolution. In silico analysis is inconsistent in its predictions as to whether or not the variant is damaging to the protein structure/function. Therefore, based on the currently available information, it is unclear whether this variant is a pathogenic variant or a rare benign variant.

Bioinformatics Core, Luxembourg Center for Systems Biomedicine
Classification: Pathogenic for Self-limited epilepsy with centrotemporal spikes. Last evaluated: 2017-01-01. Review status: no assertion criteria provided. Collection method: case-control. Allele origin: germline. Affected: yes. Study: EUROEPINOMICS COGIE. Not counted in ClinVar's aggregate classification.

Literature cited by the submitters: PubMed 29358611 (cited by Labcorp Genetics (formerly Invitae), Labcorp and Bioinformatics Core, Luxembourg Center for Systems Biomedicine).